The following is an entry in ClinVar:

NM_004364.5(CEBPA):c.707A>G (p.His236Arg)

Gene: CEBPA (CCAAT enhancer binding protein alpha; minus strand). Cytogenetic location: 19q13.11.
Variant type: single nucleotide variant.
Coding change: c.707A>G on transcript NM_004364.5 (MANE Select); coding-DNA position 707, A replaced by G.
Protein change: p.His236Arg; replaces histidine 236 with arginine.
Molecular consequence: missense variant.
Genome position (GRCh38, 1-based): chr19:33,301,708, T>C on the plus strand (A>G on the coding strand, the complement: CEBPA is on the minus strand). VCF-style: chr19-33301708-T-C. GRCh37 (hg19) VCF-style: chr19-33792614-T-C.
Other names: c.350A>G, p.His117Arg (NM_001285829.2); c.812A>G, p.His271Arg (NM_001287424.2); c.665A>G, p.His222Arg (NM_001287435.2); short protein forms H222R, H117R, H236R, H271R.
Identifiers: ClinVar variation 5034315 (VCV005034315.1).
Genomic context (GRCh38, chr19:33,301,708, plus strand): 5'-AGCCCCTTGAGCGCGCTGCCAGGGCCCGGCAGGCCGGCGGCACCGAGCGCGGGCGCGGGG[T>C]GCGGGCTGGGCACGGGCGTGGGCGGCGGCGTGGGGTGACCGGGCTGCAGGTGCATGGTGG-3'
Protein context (NP_004355.2, residues 226-246): TPPPTPVPSP[His236Arg]PAPALGAAGL

ClinVar aggregate classification (germline): Uncertain significance (1 of 4 stars; one submission).

Conditions:
Inborn genetic diseases. Identifiers: MedGen C0950123, MeSH D030342.

Submission:

Ambry Genetics
Classification: Uncertain significance for Inborn genetic diseases. Last evaluated: 2026-08-23. Review status: criteria provided, single submitter. Criteria: Ambry Variant Classification Scheme 2023. Collection method: clinical testing. Allele origin: germline.
Comment: The p.H236R variant (also known as c.707A>G), located in coding exon 1 of the CEBPA gene, results from an A to G substitution at nucleotide position 707. The histidine at codon 236 is replaced by arginine, an amino acid with highly similar properties. This amino acid position is conserved. In addition, this alteration is predicted to be tolerated by in silico analysis. Based on the available evidence, the clinical significance of this variant remains unclear.